The following is an entry in ClinVar:

ClinVar aggregate classification (germline): Uncertain significance. Review status: criteria provided, multiple submitters, no conflicts (2 of 4 stars). 4 submissions from 4 submitters: Uncertain significance (3). 1 of the submissions does not count toward it. Last evaluated 2025-12-01.

Conditions:
SLITRK6-related disorder. Also called: SLITRK6-related condition.
Inborn genetic diseases. Identifiers: MedGen C0950123, MeSH D030342.

Allele frequency attached by ClinVar (database versions not stated): TOPMed 0.00002.
gnomAD v4.1: 24 of 1,612,892 alleles (0.0015%); highest among the groups gnomAD compares: Middle Eastern, 0.017%; no homozygotes.

Submissions (4):

Labcorp Genetics (formerly Invitae), Labcorp
Classification: Uncertain significance. Last evaluated: 2025-12-01. Review status: criteria provided, single submitter. Criteria: Invitae Variant Classification Sherloc (09022015). Collection method: clinical testing. Allele origin: germline.
Comment: This sequence change replaces isoleucine, which is neutral and non-polar, with leucine, which is neutral and non-polar, at codon 447 of the SLITRK6 protein (p.Ile447Leu). This variant is present in population databases (no rsID available, gnomAD 0.02%). This missense change has been observed in individual(s) with deafness (PMID: 34515852). ClinVar contains an entry for this variant (Variation ID: 1198958). An algorithm developed to predict the effect of missense changes on protein structure and function (PolyPhen-2) suggests that this variant is likely to be tolerated. In summary, the available evidence is currently insufficient to determine the role of this variant in disease. Therefore, it has been classified as a Variant of Uncertain Significance.

Ambry Genetics
Classification: Uncertain significance for Inborn genetic diseases. Last evaluated: 2023-08-15. Review status: criteria provided, single submitter. Criteria: Ambry Variant Classification Scheme 2023. Collection method: clinical testing. Allele origin: germline.

GeneDx
Classification: Uncertain significance. Last evaluated: 2020-04-06. Review status: criteria provided, single submitter. Criteria: GeneDx Variant Classification Process June 2021. Collection method: clinical testing. Allele origin: germline. Affected: yes.
Comment: In silico analysis supports that this missense variant does not alter protein structure/function; Has not been previously published as pathogenic or benign to our knowledge

PreventionGenetics, part of Exact Sciences
Classification: Uncertain significance for SLITRK6-related condition. Last evaluated: 2024-03-26. Review status: no assertion criteria provided. Collection method: clinical testing. Allele origin: germline. Not counted in ClinVar's aggregate classification.
Comment: The SLITRK6 c.1339A>C variant is predicted to result in the amino acid substitution p.Ile447Leu. To our knowledge, this variant has not been reported in the literature. This variant is reported in 0.017% of alleles in individuals of Latino descent in gnomAD. At this time, the clinical significance of this variant is uncertain due to the absence of conclusive functional and genetic evidence.

Literature cited by the submitters: PubMed 34515852 (cited by Labcorp Genetics (formerly Invitae), Labcorp).

NM_032229.3(SLITRK6):c.1339A>C (p.Ile447Leu)

Gene: SLITRK6 (SLIT and NTRK like family member 6; minus strand). Cytogenetic location: 13q31.1.
Variant type: single nucleotide variant.
Coding change: c.1339A>C on transcript NM_032229.3 (MANE Select); coding-DNA position 1339, A replaced by C.
Protein change: p.Ile447Leu; replaces isoleucine 447 with leucine.
Molecular consequence: missense variant.
Genome position (GRCh38, 1-based): chr13:85,795,170, T>G on the plus strand (A>C on the coding strand, the complement: SLITRK6 is on the minus strand). VCF-style: chr13-85795170-T-G. GRCh37 (hg19) VCF-style: chr13-86369305-T-G.
Other names: short protein forms I447L.
Identifiers: ClinVar variation 1198958 (VCV001198958.7), dbSNP rs748064274, ClinGen allele CA253125080.